The following is an entry in ClinVar:

ClinVar aggregate classification (germline): Uncertain significance. Review status: criteria provided, multiple submitters, no conflicts (2 of 4 stars). 3 submissions from 3 submitters: Uncertain significance (3). Last evaluated 2025-01-13.

Conditions:
Inborn genetic diseases. Identifiers: MedGen C0950123, MeSH D030342.

Allele frequency attached by ClinVar (database versions not stated): gnomAD exomes 0.00004 and 0.00010; ExAC 0.00006; gnomAD 0.00006 and 0.00007; TOPMed 0.00009.
gnomAD v4.1: 64 of 1,605,712 alleles (0.004%); highest among the groups gnomAD compares: Admixed American, 0.056%; no homozygotes.

Submissions (3):

Labcorp Genetics (formerly Invitae), Labcorp
Classification: Uncertain significance. Last evaluated: 2025-01-13. Review status: criteria provided, single submitter. Criteria: Invitae Variant Classification Sherloc (09022015). Collection method: clinical testing. Allele origin: germline.
Comment: This sequence change replaces alanine, which is neutral and non-polar, with valine, which is neutral and non-polar, at codon 1588 of the GPR179 protein (p.Ala1588Val). This variant is present in population databases (rs778999876, gnomAD 0.06%). This variant has not been reported in the literature in individuals affected with GPR179-related conditions. ClinVar contains an entry for this variant (Variation ID: 1038395). An algorithm developed to predict the effect of missense changes on protein structure and function (PolyPhen-2) suggests that this variant¬†is likely to be tolerated. In summary, the available evidence is currently insufficient to determine the role of this variant in disease. Therefore, it has been classified as a Variant of Uncertain Significance.

Blueprint Genetics
Classification: Uncertain significance. Last evaluated: 2024-10-16. Review status: criteria provided, single submitter. Criteria: ACMG Guidelines, 2015. Collection method: clinical testing. Allele origin: germline.

Ambry Genetics
Classification: Uncertain significance for Inborn genetic diseases. Last evaluated: 2024-05-20. Review status: criteria provided, single submitter. Criteria: Ambry Variant Classification Scheme 2023. Collection method: clinical testing. Allele origin: germline.

NM_001004334.4(GPR179):c.4763C>T (p.Ala1588Val)

Gene: GPR179 (G protein-coupled receptor 179; minus strand). Cytogenetic location: 17q12.
Variant type: single nucleotide variant.
Coding change: c.4763C>T on transcript NM_001004334.4 (MANE Select); coding-DNA position 4763, C replaced by T.
Protein change: p.Ala1588Val; replaces alanine 1588 with valine.
Molecular consequence: missense variant.
Genome position (GRCh38, 1-based): chr17:38,328,806, G>A on the plus strand (C>T on the coding strand, the complement: GPR179 is on the minus strand). VCF-style: chr17-38328806-G-A. GRCh37 (hg19) VCF-style: chr17-36484689-G-A.
Other names: c.4763C>T (NM_001004334.2); short protein forms A1588V.
Identifiers: ClinVar variation 1038395 (VCV001038395.7), dbSNP rs778999876, ClinGen allele CA290103930.
Genomic context (GRCh38, chr17:38,328,806, plus strand): 5'-GCTGATGTCCATTCCTCTCTTGTTCTTTCATTTACCTCCCAGGGACAGATTTCTGTTTTG[G>A]CAGGTGTTGCTTCCTGTGCCTCCGGCCTGAGATCTTCCTGTGGACACACCTGCGTTGCTC-3'
Protein context (NP_001004334.3, residues 1578-1598): LRPEAQEATP[Ala1588Val]KTEICPWEVN